The following is an entry in ClinVar:

ClinVar aggregate classification (germline): Uncertain significance (1 of 4 stars; one submission).

Conditions:
Cholestanol storage disease (CTX). Also called: Cerebrotendinous Xanthomatosis; CTX: Cerebrotendinous xanthomatosis; CEREBRAL CHOLESTERINOSIS. Identifiers: Orphanet 909, MedGen C0238052, MONDO:0008948, OMIM 213700.

Allele frequency attached by ClinVar (database versions not stated): gnomAD exomes below 0.00001.
gnomAD v4.1: 5 of 1,613,944 alleles (0.00031%); highest among the groups gnomAD compares: African/African-American, 0.0027%; no homozygotes.

Submission:

Labcorp Genetics (formerly Invitae), Labcorp
Classification: Uncertain significance for Cholestanol storage disease. Last evaluated: 2022-05-26. Review status: criteria provided, single submitter. Criteria: Invitae Variant Classification Sherloc (09022015). Collection method: clinical testing. Allele origin: germline.
Comment: This sequence change falls in intron 7 of the CYP27A1 gene. It does not directly change the encoded amino acid sequence of the CYP27A1 protein. This variant is present in population databases (no rsID available, gnomAD 0.003%). This variant has not been reported in the literature in individuals affected with CYP27A1-related conditions. Algorithms developed to predict the effect of sequence changes on RNA splicing suggest that this variant may create or strengthen a splice site. In summary, the available evidence is currently insufficient to determine the role of this variant in disease. Therefore, it has been classified as a Variant of Uncertain Significance.

NM_000784.4(CYP27A1):c.1264-14A>G

Gene: CYP27A1 (cytochrome P450 family 27 subfamily A member 1; plus strand). Cytogenetic location: 2q35.
Variant type: single nucleotide variant.
Coding change: c.1264-14A>G on transcript NM_000784.4 (MANE Select); 14 bases into the intron before coding-DNA position 1264, A replaced by G.
Molecular consequence: intron variant.
Genome position (GRCh38, 1-based): chr2:218,814,531, A>G. VCF-style: chr2-218814531-A-G. GRCh37 (hg19) VCF-style: chr2-219679254-A-G.
Identifiers: ClinVar variation 1504434 (VCV001504434.5), dbSNP rs1285698631, ClinGen allele CA539840550.